The following is an entry in ClinVar:

NM_001377142.1(PLCB4):c.860T>C (p.Ile287Thr)

Gene: PLCB4 (phospholipase C beta 4; plus strand). Cytogenetic location: 20p12.2.
Variant type: single nucleotide variant.
Coding change: c.860T>C on transcript NM_001377142.1 (MANE Select); coding-DNA position 860, T replaced by C.
Protein change: p.Ile287Thr; replaces isoleucine 287 with threonine.
Molecular consequence: missense variant.
Genome position (GRCh38, 1-based): chr20:9,384,207, T>C. VCF-style: chr20-9384207-T-C. GRCh37 (hg19) VCF-style: chr20-9364854-T-C.
Other names: c.860T>C, p.Ile287Thr (NM_000933.4, NM_001172646.2, NM_001377134.2 and 4 more transcripts); short protein forms I287T.
Identifiers: ClinVar variation 3360329 (VCV003360329.1).

ClinVar aggregate classification (germline): Uncertain significance (1 of 4 stars; one submission).

Submission:

GeneDx
Classification: Uncertain significance. Last evaluated: 2023-06-26. Review status: criteria provided, single submitter. Criteria: GeneDx Variant Classification Process June 2021. Collection method: clinical testing. Allele origin: germline. Affected: yes.
Comment: Not observed at significant frequency in large population cohorts (gnomAD); In silico analysis supports that this missense variant has a deleterious effect on protein structure/function; Has not been previously published as pathogenic or benign to our knowledge